The following is an entry in ClinVar:

ClinVar aggregate classification (germline): Uncertain significance. Review status: criteria provided, multiple submitters, no conflicts (2 of 4 stars). 2 submissions from 2 submitters: Uncertain significance (2). Last evaluated 2024-10-30.

Allele frequency attached by ClinVar (database versions not stated): ExAC 0.00001; gnomAD 0.00009; TOPMed 0.00009; gnomAD exomes 0.00002.
gnomAD v4.1: 26 of 1,614,010 alleles (0.0016%); highest among the groups gnomAD compares: Admixed American, 0.032%; no homozygotes.

Submissions (2):

Mayo Clinic Laboratories, Mayo Clinic
Classification: Uncertain significance. Last evaluated: 2024-10-30. Review status: criteria provided, single submitter. Criteria: ACMG Guidelines, 2015. Collection method: clinical testing. Allele origin: germline. Observed: 1 variant allele.
Comment: BP4, PM2_supporting

Ambry Genetics
Classification: Uncertain significance. Last evaluated: 2022-07-22. Review status: criteria provided, single submitter. Criteria: Ambry Variant Classification Scheme 2023. Collection method: clinical testing. Allele origin: germline.

NM_012088.3(PGLS):c.512T>C (p.Ile171Thr)

Gene: PGLS (6-phosphogluconolactonase; plus strand). Cytogenetic location: 19p13.11.
Variant type: single nucleotide variant.
Coding change: c.512T>C on transcript NM_012088.3 (MANE Select); coding-DNA position 512, T replaced by C.
Protein change: p.Ile171Thr; replaces isoleucine 171 with threonine.
Molecular consequence: missense variant.
Genome position (GRCh38, 1-based): chr19:17,517,723, T>C. VCF-style: chr19-17517723-T-C. GRCh37 (hg19) VCF-style: chr19-17628532-T-C.
Other names: p.Ile171Thr; short protein forms I171T.
Identifiers: ClinVar variation 2303042 (VCV002303042.3), dbSNP rs750346284, ClinGen allele CA9295965.
Genomic context (GRCh38, chr19:17,517,723, plus strand): 5'-GAAGTGACATTGTCCTTCTGCCTCCATCCCTGGGCTTCCTCCCCAAGGAGCGGGAGAAGA[T>C]TGTGGCTCCCATCAGTGACTCCCCGAAGCCACCGCCACAGCGTGTGACCCTCACACTACC-3'
Protein context (NP_036220.1, residues 161-181): DHPLLQEREK[Ile171Thr]VAPISDSPKP